The following is an entry in ClinVar:

NM_019842.4(KCNQ5):c.1784A>T (p.Glu595Val)

Gene: KCNQ5 (potassium voltage-gated channel subfamily Q member 5; plus strand). Cytogenetic location: 6q13.
Variant type: single nucleotide variant.
Coding change: c.1784A>T on transcript NM_019842.4 (MANE Select); coding-DNA position 1784, A replaced by T.
Protein change: p.Glu595Val; replaces glutamic acid 595 with valine.
Molecular consequence: missense variant.
Genome position (GRCh38, 1-based): chr6:73,192,639, A>T. VCF-style: chr6-73192639-A-T. GRCh37 (hg19) VCF-style: chr6-73902362-A-T.
Other names: c.1757A>T, p.Glu586Val (NM_001160130.2); c.1814A>T, p.Glu605Val (NM_001160132.2); c.1841A>T, p.Glu614Val (NM_001160133.2); c.1454A>T, p.Glu485Val (NM_001160134.2); short protein forms E485V, E586V, E595V, E605V, E614V.
Identifiers: ClinVar variation 1305324 (VCV001305324.2), dbSNP rs1007587005, ClinGen allele CA140916097.

ClinVar aggregate classification (germline): Uncertain significance (1 of 4 stars; one submission).

Allele frequency attached by ClinVar (database versions not stated): gnomAD exomes below 0.00001 and 0.00001.
gnomAD v4.1: 9 of 1,612,836 alleles (0.00056%); highest among the groups gnomAD compares: Non-Finnish European, 0.00076%; no homozygotes.

Submission:

GeneDx
Classification: Uncertain significance. Last evaluated: 2020-11-12. Review status: criteria provided, single submitter. Criteria: GeneDx Variant Classification Process June 2021. Collection method: clinical testing. Allele origin: germline. Affected: yes.
Comment: In silico analysis, which includes protein predictors and evolutionary conservation, supports a deleterious effect; Has not been previously published as pathogenic or benign to our knowledge